The following is an entry in ClinVar:

ClinVar aggregate classification (germline): Uncertain significance (1 of 4 stars; one submission).

Conditions:
Leber congenital amaurosis 9 (LCA9). Also called: LCA 9; Amaurosis congenita of Leber, type 9; LCA9 Leber Congenital Amaurosis. Identifiers: Orphanet 65, MedGen C1837873, MONDO:0012056, OMIM 608553.

Submission:

Labcorp Genetics (formerly Invitae), Labcorp
Classification: Uncertain significance for Leber congenital amaurosis 9. Last evaluated: 2022-02-10. Review status: criteria provided, single submitter. Criteria: Invitae Variant Classification Sherloc (09022015). Collection method: clinical testing. Allele origin: germline.
Comment: In summary, the available evidence is currently insufficient to determine the role of this variant in disease. Therefore, it has been classified as a Variant of Uncertain Significance. Experimental studies and prediction algorithms are not available or were not evaluated, and the functional significance of this variant is currently unknown. This variant has not been reported in the literature in individuals affected with NMNAT1-related conditions. This variant results in a copy number gain of the genomic region encompassing exon(s) 1-3 of the NMNAT1 gene. This region includes the initiator codon of the gene. This copy number gain extends beyond the assayed region for this gene and therefore may encompass additional genes. As the precise location of this event is unknown, it may be in tandem or it may be located elsewhere in the genome.

NC_000001.10:g.(?_10003560)_(10035853_?)dup

Gene: NMNAT1 (nicotinamide nucleotide adenylyltransferase 1; plus strand). Cytogenetic location: 1p36.22.
Variant type: Duplication.
Identifiers: ClinVar variation 1479557 (VCV001479557.5).